The following is an entry in ClinVar:

NM_001377540.1(SLMAP):c.2394G>T (p.Glu798Asp)

Gene: SLMAP (sarcolemma associated protein; plus strand). Cytogenetic location: 3p14.3.
Variant type: single nucleotide variant.
Coding change: c.2394G>T on transcript NM_001377540.1 (MANE Select); coding-DNA position 2394, G replaced by T.
Protein change: p.Glu798Asp; replaces glutamic acid 798 with aspartic acid.
Molecular consequence: missense variant. On other transcripts: non-coding transcript variant (1).
Genome position (GRCh38, 1-based): chr3:57,922,972, G>T. VCF-style: chr3-57922972-G-T. GRCh37 (hg19) VCF-style: chr3-57908699-G-T.
Other names: c.2343G>T, p.Glu781Asp (NM_001304420.3, NM_001377541.1, NM_001377542.1); c.2229G>T, p.Glu743Asp (NM_001304421.2, NM_001377557.1, NM_001377559.1); c.945G>T, p.Glu315Asp (NM_001304422.3, NM_001311178.2); c.747G>T, p.Glu249Asp (NM_001304423.3); c.2415G>T, p.Glu805Asp (NM_001377538.1); c.2394G>T, p.Glu798Asp (NM_001377539.1); c.2331G>T, p.Glu777Asp (NM_001377545.1); c.2292G>T, p.Glu764Asp (NM_001377549.1, NM_007159.5); and 8 more; short protein forms E764D, E315D, E781D, E249D, E743D, E274D, E702D, E719D.
Identifiers: ClinVar variation 463278 (VCV000463278.7), dbSNP rs750893840, ClinGen allele CA2467369.

ClinVar aggregate classification (germline): Uncertain significance. Review status: criteria provided, multiple submitters, no conflicts (2 of 4 stars). 2 submissions from 2 submitters: Uncertain significance (2). Last evaluated 2025-01-13.

Conditions:
Brugada syndrome. Also called: Sudden unexpected nocturnal death syndrome; Sudden Unexplained Death Syndrome; Sudden Unexplained Nocturnal Death Syndrome (SUNDS); Sudden unexplained nocturnal death syndrome. Identifiers: Orphanet 130, MedGen C1142166, MONDO:0015263.

Allele frequency attached by ClinVar (database versions not stated): ExAC 0.00001; gnomAD 0.00001; gnomAD exomes 0.00001; TOPMed 0.00001.
gnomAD v4.1: 14 of 1,613,762 alleles (0.00087%); highest among the groups gnomAD compares: Admixed American, 0.0033%; no homozygotes.

Submissions (2):

Labcorp Genetics (formerly Invitae), Labcorp
Classification: Uncertain significance for Brugada syndrome. Last evaluated: 2025-01-13. Review status: criteria provided, single submitter. Criteria: Invitae Variant Classification Sherloc (09022015). Collection method: clinical testing. Allele origin: germline.
Comment: This sequence change replaces glutamic acid, which is acidic and polar, with aspartic acid, which is acidic and polar, at codon 764 of the SLMAP protein (p.Glu764Asp). This variant is present in population databases (rs750893840, gnomAD 0.003%). This variant has not been reported in the literature in individuals affected with SLMAP-related conditions. ClinVar contains an entry for this variant (Variation ID: 463278). An algorithm developed to predict the effect of missense changes on protein structure and function (PolyPhen-2) suggests that this variant is likely to be tolerated. In summary, the available evidence is currently insufficient to determine the role of this variant in disease. Therefore, it has been classified as a Variant of Uncertain Significance.

Ambry Genetics
Classification: Uncertain significance. Last evaluated: 2022-12-01. Review status: criteria provided, single submitter. Criteria: Ambry Variant Classification Scheme 2023. Collection method: clinical testing. Allele origin: germline.